The following is an entry in ClinVar:

ClinVar aggregate classification (germline): Benign/Likely benign. Review status: criteria provided, multiple submitters, no conflicts (2 of 4 stars). 4 submissions from 4 submitters: Benign (2); Likely benign (2). Last evaluated 2025-02-01.

Conditions:
Hereditary cancer-predisposing syndrome. Also called: Tumor predisposition; Hereditary Cancer Syndrome; Hereditary neoplastic syndrome; Neoplastic Syndromes, Hereditary. Identifiers: Orphanet 140162, MedGen C0027672, MeSH D009386, MONDO:0015356.
Ataxia-telangiectasia syndrome (AT). Also called: Ataxia telangiectasia (A-T); LOUIS-BAR SYNDROME; Cerebello-oculocutaneous telangiectasia; Immunodeficiency with ataxia telangiectasia; ATAXIA-TELANGIECTASIA, COMPLEMENTATION GROUP A; ATAXIA-TELANGIECTASIA, FRESNO VARIANT. Identifiers: Orphanet 100, MedGen C0004135, MONDO:0008840, OMIM 208900.
Familial cancer of breast. Also called: hereditary breast carcinoma; BREAST CANCER, FAMILIAL; Hereditary breast cancer. Identifiers: Orphanet 227535, MedGen C0346153, MONDO:0016419, OMIM 114480. Disease mechanism: loss of function.

Allele frequency attached by ClinVar (database versions not stated): TOPMed below 0.00001.
gnomAD v4.1: 2 of 1,613,882 alleles (0.00012%); highest among the groups gnomAD compares: Middle Eastern, 0.017%; no homozygotes.

Submissions (4):

KCCC/NGS Laboratory, Kuwait Cancer Control Center
Classification: Benign for Familial cancer of breast. Last evaluated: 2025-02-01. Review status: criteria provided, single submitter. Criteria: ACMG Guidelines, 2015. Collection method: clinical testing. Allele origin: germline. Affected: no.

Myriad Genetics, Inc.
Classification: Benign for Familial cancer of breast. Last evaluated: 2024-05-22. Review status: criteria provided, single submitter. Criteria: Myriad Autosomal Dominant, Autosomal Recessive and X-Linked Classification Criteria (2023). Collection method: clinical testing. Allele origin: unknown.
Comment: This variant is considered benign. This variant is a silent/synonymous amino acid change and it is not expected to impact splicing.

Labcorp Genetics (formerly Invitae), Labcorp
Classification: Likely benign for Ataxia-telangiectasia syndrome. Last evaluated: 2024-05-14. Review status: criteria provided, single submitter. Criteria: Invitae Variant Classification Sherloc (09022015). Collection method: clinical testing. Allele origin: germline.

Ambry Genetics
Classification: Likely benign for Hereditary cancer-predisposing syndrome. Last evaluated: 2015-08-04. Review status: criteria provided, single submitter. Criteria: Ambry Variant Classification Scheme 2023. Collection method: clinical testing. Allele origin: germline.

NM_000051.4(ATM):c.5023T>C (p.Leu1675=)

Gene: ATM (ATM serine/threonine kinase; plus strand). Cytogenetic location: 11q22.3.
Variant type: single nucleotide variant.
Coding change: c.5023T>C on transcript NM_000051.4 (MANE Select); coding-DNA position 5023, T replaced by C.
Protein change: p.Leu1675=; no amino-acid change (leucine 1675 retained).
Molecular consequence: synonymous variant.
Genome position (GRCh38, 1-based): chr11:108,299,731, T>C. VCF-style: chr11-108299731-T-C. GRCh37 (hg19) VCF-style: chr11-108170458-T-C.
Other names: c.5023T>C, p.Leu1675= (NM_001351834.2).
Identifiers: ClinVar variation 233231 (VCV000233231.14), dbSNP rs876660275, ClinGen allele CA10579170.